The following is an entry in ClinVar:

ClinVar aggregate classification (germline): Conflicting classifications of pathogenicity. Review status: criteria provided, conflicting classifications (1 of 4 stars). 2 submissions from 2 submitters: Uncertain significance (1); Likely benign (1). Last evaluated 2024-06-17.

Allele frequency attached by ClinVar (database versions not stated): ExAC 0.00002; gnomAD exomes 0.00002; gnomAD 0.00005; TOPMed 0.00006; 1000 Genomes Project 30x 0.00016; 1000 Genomes Project 0.00020.
gnomAD v4.1: 37 of 1,613,450 alleles (0.0023%); highest among the groups gnomAD compares: African/African-American, 0.021%; no homozygotes.

Submissions (2):

Labcorp Genetics (formerly Invitae), Labcorp
Classification: Likely benign. Last evaluated: 2024-06-17. Review status: criteria provided, single submitter. Criteria: Invitae Variant Classification Sherloc (09022015). Collection method: clinical testing. Allele origin: germline.

GeneDx
Classification: Uncertain significance. Last evaluated: 2022-10-19. Review status: criteria provided, single submitter. Criteria: GeneDx Variant Classification Process June 2021. Collection method: clinical testing. Allele origin: germline. Affected: yes.
Comment: Has not been previously published as pathogenic or benign to our knowledge; In silico analysis suggests this variant may impact gene splicing. In the absence of RNA/functional studies, the actual effect of this sequence change is unknown.

NM_018006.5(TRMU):c.660C>T (p.Gly220=)

Gene: TRMU (tRNA mitochondrial 2-thiouridylase; plus strand). Cytogenetic location: 22q13.31.
Variant type: single nucleotide variant.
Coding change: c.660C>T on transcript NM_018006.5 (MANE Select); coding-DNA position 660, C replaced by T.
Protein change: p.Gly220=; no amino-acid change (glycine 220 retained).
Molecular consequence: synonymous variant. On other transcripts: non-coding transcript variant (2).
Genome position (GRCh38, 1-based): chr22:46,352,129, C>T. VCF-style: chr22-46352129-C-T. GRCh37 (hg19) VCF-style: chr22-46748026-C-T.
Other names: c.*104C>T (NM_001008568.2); c.*198C>T (NM_001008570.2); c.318C>T, p.Gly106= (NM_001282782.2); c.240C>T, p.Gly80= (NM_001282783.2, NM_001282784.2); c.660C>T, p.Gly220= (NM_001282785.2).
Identifiers: ClinVar variation 1711977 (VCV001711977.6), dbSNP rs199793990, ClinGen allele CA10292158.